The following is an entry in ClinVar:

ClinVar aggregate classification (germline): Uncertain significance. Review status: criteria provided, single submitter (1 of 4 stars). 2 submissions from 2 submitters: Uncertain significance (1). 1 of the submissions does not count toward it. Last evaluated 2021-05-02.

Conditions:
Prostate cancer, hereditary, 1 (HPC1). Identifiers: Orphanet 1331, MedGen C4722327, MONDO:0011098, OMIM 601518.

Submissions (2):

Labcorp Genetics (formerly Invitae), Labcorp
Classification: Uncertain significance. Last evaluated: 2021-05-02. Review status: criteria provided, single submitter. Criteria: Invitae Variant Classification Sherloc (09022015). Collection method: clinical testing. Allele origin: germline.
Comment: This variant is not present in population databases (ExAC no frequency). In summary, the available evidence is currently insufficient to determine the role of this variant in disease. Therefore, it has been classified as a Variant of Uncertain Significance. Algorithms developed to predict the effect of missense changes on protein structure and function (SIFT, PolyPhen-2, Align-GVGD) all suggest that this variant is likely to be tolerated, but these predictions have not been confirmed by published functional studies and their clinical significance is uncertain. This variant has not been reported in the literature in individuals with HOXB13-related conditions. ClinVar contains an entry for this variant (Variation ID: 691247). This sequence change replaces asparagine with lysine at codon 280 of the HOXB13 protein (p.Asn280Lys). The asparagine residue is weakly conserved and there is a moderate physicochemical difference between asparagine and lysine.

Laboratory of Virology, Microbiology,  Quality and Medical Biotechnologies, Faculty of Sciences and Techniques - Mohammedia, Hassan II University of Casablanca
Classification: Uncertain significance for Prostate cancer, hereditary, 1. Review status: no assertion criteria provided. Collection method: clinical testing. Allele origin: somatic. Affected: yes. Not counted in ClinVar's aggregate classification.

NM_006361.6(HOXB13):c.840C>A (p.Asn280Lys)

Gene: HOXB13 (homeobox B13; minus strand). Cytogenetic location: 17q21.32.
Variant type: single nucleotide variant.
Coding change: c.840C>A on transcript NM_006361.6 (MANE Select); coding-DNA position 840, C replaced by A.
Protein change: p.Asn280Lys; replaces asparagine 280 with lysine.
Molecular consequence: missense variant.
Genome position (GRCh38, 1-based): chr17:48,726,805, G>T on the plus strand (C>A on the coding strand, the complement: HOXB13 is on the minus strand). VCF-style: chr17-48726805-G-T. GRCh37 (hg19) VCF-style: chr17-46804167-G-T.
Other names: short protein forms N280K.
Identifiers: ClinVar variation 691247 (VCV000691247.9), dbSNP rs1597932404, ClinGen allele CA400105227.
Genomic context (GRCh38, chr17:48,726,805, plus strand): 5'-AGGACACCCCCACTTTCGCTCCTCCCACCCAGGCAAGGAGATCTCTTAAGGGGTAGCGCT[G>T]TTCTTCACCTTGGCGAGAACCTTCTTCTCTTTGACCCGGCGGTTCTGAAACCAGATGGTA-3'
Protein context (NP_006352.2, residues 270-284): KEKKVLAKVK[Asn280Lys]SATP